The following is an entry in ClinVar:

NM_001042492.3(NF1):c.2162G>A (p.Cys721Tyr)

Gene: NF1 (neurofibromin 1; plus strand). Cytogenetic location: 17q11.2.
Variant type: single nucleotide variant.
Coding change: c.2162G>A on transcript NM_001042492.3 (MANE Select); coding-DNA position 2162, G replaced by A.
Protein change: p.Cys721Tyr; replaces cysteine 721 with tyrosine.
Molecular consequence: missense variant.
Genome position (GRCh38, 1-based): chr17:31,226,595, G>A. VCF-style: chr17-31226595-G-A. GRCh37 (hg19) VCF-style: chr17-29553613-G-A.
Other names: c.2162G>A, p.Cys721Tyr (NM_000267.4); short protein forms C721Y.
Identifiers: ClinVar variation 1721486 (VCV001721486.5), dbSNP rs2067019239, ClinGen allele CA398982393.

ClinVar aggregate classification (germline): Uncertain significance (1 of 4 stars; one submission).

Conditions:
Neurofibromatosis, type 1 (NF1). Also called: Neurofibromatosis, type I; VON RECKLINGHAUSEN DISEASE; NEUROFIBROMATOSIS, TYPE I, SOMATIC; Peripheral type neurofibromatosis. Identifiers: Orphanet 636, MedGen C0027831, MONDO:0018975, OMIM 162200. Disease mechanism: loss of function.

Submission:

Labcorp Genetics (formerly Invitae), Labcorp
Classification: Uncertain significance for Neurofibromatosis, type 1. Last evaluated: 2022-07-21. Review status: criteria provided, single submitter. Criteria: Invitae Variant Classification Sherloc (09022015). Collection method: clinical testing. Allele origin: germline.
Comment: This sequence change replaces cysteine, which is neutral and slightly polar, with tyrosine, which is neutral and polar, at codon 721 of the NF1 protein (p.Cys721Tyr). This variant is not present in population databases (gnomAD no frequency). This variant has not been reported in the literature in individuals affected with NF1-related conditions. Advanced modeling of protein sequence and biophysical properties (such as structural, functional, and spatial information, amino acid conservation, physicochemical variation, residue mobility, and thermodynamic stability) performed at Invitae indicates that this missense variant is expected to disrupt NF1 protein function. In summary, the available evidence is currently insufficient to determine the role of this variant in disease. Therefore, it has been classified as a Variant of Uncertain Significance.